The following is an entry in ClinVar:

ClinVar aggregate classification (germline): Uncertain significance. Review status: criteria provided, multiple submitters, no conflicts (2 of 4 stars). 13 submissions from 12 submitters: Uncertain significance (9). 4 of the submissions do not count toward it. Last evaluated 2025-10-23.

Conditions:
Hereditary breast ovarian cancer syndrome. Also called: BRCA1- and BRCA2-Associated Hereditary Breast and Ovarian Cancer; Hereditary breast and ovarian cancer; Breast and ovarian cancer; Hereditary breast and/or ovarian cancer syndrome; Hereditary breast and ovarian cancer syndrome; Hereditary breast and ovarian cancer syndrome (HBOC). Identifiers: Orphanet 145, MedGen C0677776, MeSH D061325, MONDO:0003582. Disease mechanism: loss of function.
Familial cancer of breast. Also called: BREAST CANCER, FAMILIAL; hereditary breast carcinoma; Hereditary breast cancer. Identifiers: Orphanet 227535, MedGen C0346153, MONDO:0016419, OMIM 114480. Disease mechanism: loss of function.
Breast-ovarian cancer, familial, susceptibility to, 2 (BROVCA2). Also called: BRCA2 Hereditary Breast and Ovarian Cancer. Identifiers: Orphanet 145, MedGen C2675520, MONDO:0012933, OMIM 612555. Disease mechanism: loss of function.
Prostate cancer. Also called: Malignant tumor of prostate. Identifiers: Orphanet 1331, MedGen C0376358, MONDO:0008315, HP:0012125.
Fanconi anemia complementation group D1. Also called: BRCA2-Related Fanconi Anemia. Identifiers: Orphanet 319462, MedGen C1838457, MONDO:0011584, OMIM 605724.
Medulloblastoma (MDB). Also called: Medulloblastoma, somatic; MEDULLOBLASTOMA PREDISPOSITION SYNDROME. Identifiers: Orphanet 616, MedGen C0025149, MeSH D008527, MONDO:0007959, OMIM 155255, HP:0002885.
Wilms tumor 1 (WT1). Also called: Wilms tumor, somatic. Identifiers: Orphanet 654, MedGen CN033288, MONDO:0008679, OMIM 194070.
Pancreatic cancer, susceptibility to, 2. Identifiers: Orphanet 1333, MedGen C3150546, MONDO:0013235, OMIM 613347.
Glioma susceptibility 3 (GLM3). Also called: Glioblastoma 3. Identifiers: Orphanet 182067, Orphanet 360, MedGen C2751641, MONDO:0013093, OMIM 613029.
Familial prostate cancer. Also called: Hereditary Prostate Cancer. Identifiers: MedGen C2931456, MONDO:0700275, OMIM 176807.
Hereditary cancer-predisposing syndrome. Also called: Neoplastic Syndromes, Hereditary; Tumor predisposition; Hereditary Cancer Syndrome; Hereditary neoplastic syndrome. Identifiers: Orphanet 140162, MedGen C0027672, MeSH D009386, MONDO:0015356.

Allele frequency attached by ClinVar (database versions not stated): gnomAD exomes below 0.00001.
gnomAD v4.1: 3 of 1,614,154 alleles (0.00019%); highest among the groups gnomAD compares: Middle Eastern, 0.016%; no homozygotes.

Submissions (13):

Labcorp Genetics (formerly Invitae), Labcorp
Classification: Uncertain significance for Hereditary breast ovarian cancer syndrome. Last evaluated: 2025-10-23. Review status: criteria provided, single submitter. Criteria: Invitae Variant Classification Sherloc (09022015). Collection method: clinical testing. Allele origin: germline.
Comment: This sequence change replaces valine, which is neutral and non-polar, with methionine, which is neutral and non-polar, at codon 2652 of the BRCA2 protein (p.Val2652Met). This variant is present in population databases (no rsID available, gnomAD 0.003%). This missense change has been observed in individual(s) with breast cancer, prostate cancer (PMID: 21520333, 34178674, 34242281). ClinVar contains an entry for this variant (Variation ID: 462460). Invitae Evidence Modeling of protein sequence and biophysical properties (such as structural, functional, and spatial information, amino acid conservation, physicochemical variation, residue mobility, and thermodynamic stability) has been performed for this missense variant. However, the output from this modeling did not meet the statistical confidence thresholds required to predict the impact of this variant on BRCA2 protein function. Experimental studies are conflicting or provide insufficient evidence to determine the effect of this variant on BRCA2 function (PMID: 29394989, 29884841, 29988080). This variant disrupts the p.Val2652 amino acid residue in BRCA2. Other variant(s) that disrupt this residue have been determined to be pathogenic (PMID: 34218100, 35464868; external communication). This suggests that this residue is clinically significant, and that variants that disrupt this residue are likely to be disease-causing. In summary, the available evidence is currently insufficient to determine the role of this variant in disease. Therefore, it has been classified as a Variant of Uncertain Significance.

Center for Genomic Medicine, Rigshospitalet, Copenhagen University Hospital
Classification: Uncertain significance. Last evaluated: 2025-03-04. Review status: criteria provided, single submitter. Criteria: ACMG Guidelines, 2015. Collection method: clinical testing. Allele origin: germline.

Catlab - Consorci Sanitari de Terrassa
Classification: Uncertain significance for Hereditary cancer-predisposing syndrome. Last evaluated: 2024-11-12. Review status: criteria provided, single submitter. Criteria: ClinGen BRCA1BRCA2 ACMG Specifications BRCA2 V1.1.0. Collection method: clinical testing. Allele origin: germline.
Comment: Based on the currently available information, this variant is classified as Variant of Uncertain Significance according to ClinGen-BRCA2 v1.1.0 guidelines. ACMG criteria: PM2_supp.

Fulgent Genetics
Classification: Uncertain significance for Familial cancer of breast; Medulloblastoma; Familial prostate cancer; Wilms tumor 1; Fanconi anemia complementation group D1; Breast-ovarian cancer, familial, susceptibility to, 2; Glioma susceptibility 3; Pancreatic cancer, susceptibility to, 2. Last evaluated: 2024-05-31. Review status: criteria provided, single submitter. Criteria: ACMG Guidelines, 2015. Collection method: clinical testing. Allele origin: germline.

Ambry Genetics
Classification: Uncertain significance for Hereditary cancer-predisposing syndrome. Last evaluated: 2024-05-09. Review status: criteria provided, single submitter. Criteria: Ambry Variant Classification Scheme 2023. Collection method: clinical testing. Allele origin: germline.
Comment: The p.V2652M variant (also known as c.7954G>A), located in coding exon 16 of the BRCA2 gene, results from a G to A substitution at nucleotide position 7954. The valine at codon 2652 is replaced by methionine, an amino acid with highly similar properties. This alteration has been shown to be neutral in homology-directed DNA repair (HDR) assays (Hart SN et al. Genet. Med., 2019 01;21:71-80; Guidugli L et al. Am. J. Hum. Genet., 2018 02;102:233-248). This variant was found to be functionally intermediate in a BRCA2-null mouse embryonic stem cell complementation assay, a homology-directed repair assay, and a cisplatin sensitivity assay (Mesman RLS et al. Genet Med, 2019 Feb;21:293-302). This alteration was also classified as benign in a multifactorial model of variant interpretation that incorporates co-segregation, family history, co-occurrence, and tumor pathology data (Caputo SM et al. Am J Hum Genet, 2021 Oct;108:1907-1923). This alteration was identified within a cohort of 874 unrelated Italian breast or ovarian cancer patients undergoing genetic testing based on suspicion for HBOC (Fanale D et al. Front Oncol, 2021 Jun;11:682445). This amino acid position is well conserved in available vertebrate species. In addition, this alteration is predicted to be deleterious by in silico analysis. Based on the available evidence, the clinical significance of this variant remains unclear.

Baylor Genetics
Classification: Uncertain significance for Familial cancer of breast. Last evaluated: 2023-11-11. Review status: criteria provided, single submitter. Criteria: ACMG Guidelines, 2015. Collection method: clinical testing. Allele origin: unknown.

Revvity Omics, Revvity
Classification: Uncertain significance. Last evaluated: 2023-03-08. Review status: criteria provided, single submitter. Criteria: ACMG Guidelines, 2015. Collection method: clinical testing. Allele origin: germline.

Color Diagnostics, LLC DBA Color Health
Classification: Uncertain significance for Hereditary cancer-predisposing syndrome. Last evaluated: 2019-06-28. Review status: criteria provided, single submitter. Criteria: ACMG Guidelines, 2015. Collection method: clinical testing. Allele origin: germline.

Fulgent Genetics
Classification: Uncertain significance for Familial cancer of breast; Medulloblastoma; Familial prostate cancer; Wilms tumor 1; Fanconi anemia complementation group D1; Breast-ovarian cancer, familial, susceptibility to, 2; Glioma susceptibility 3; Pancreatic cancer, susceptibility to, 2. Last evaluated: 2018-10-31. Review status: criteria provided, single submitter. Criteria: ACMG Guidelines, 2015. Collection method: clinical testing. Allele origin: unknown.

Clinical Genetics Laboratory, Department of Pathology, Netherlands Cancer Institute
Classification: Uncertain significance. Review status: no assertion criteria provided. Collection method: clinical testing. Allele origin: germline. Affected: yes. Study: VKGL Data-share Consensus. Not counted in ClinVar's aggregate classification.

Diagnostic Laboratory, Department of Genetics, University Medical Center Groningen
Classification: Uncertain significance. Review status: no assertion criteria provided. Collection method: clinical testing. Allele origin: germline. Affected: yes. Study: VKGL Data-share Consensus. Not counted in ClinVar's aggregate classification.

Joint Genome Diagnostic Labs from Nijmegen and Maastricht, Radboudumc and MUMC+
Classification: Uncertain significance. Review status: no assertion criteria provided. Collection method: clinical testing. Allele origin: germline. Affected: yes. Study: VKGL Data-share Consensus. Not counted in ClinVar's aggregate classification.

Laboratory of Diagnostic Genome Analysis, Leiden University Medical Center (LUMC)
Classification: Uncertain significance. Review status: no assertion criteria provided. Collection method: clinical testing. Allele origin: germline. Affected: yes. Study: VKGL Data-share Consensus. Not counted in ClinVar's aggregate classification.

Literature cited by the submitters: PubMed 21520333 (cited by Labcorp Genetics (formerly Invitae), Labcorp); PubMed 34178674 (cited by 3 submitters); PubMed 34242281 (cited by Labcorp Genetics (formerly Invitae), Labcorp and Center for Genomic Medicine, Rigshospitalet, Copenhagen University Hospital); PubMed 29394989 (cited by Labcorp Genetics (formerly Invitae), Labcorp and Ambry Genetics); PubMed 29884841 (cited by Labcorp Genetics (formerly Invitae), Labcorp and Ambry Genetics); PubMed 29988080 (cited by 3 submitters); PubMed 34218100 (cited by Labcorp Genetics (formerly Invitae), Labcorp); PubMed 35464868 (cited by Labcorp Genetics (formerly Invitae), Labcorp); PubMed 34597585 (cited by Ambry Genetics).

NM_000059.4(BRCA2):c.7954G>A (p.Val2652Met)

Gene: BRCA2 (BRCA2 DNA repair associated; plus strand). Cytogenetic location: 13q13.1.
Variant type: single nucleotide variant.
Coding change: c.7954G>A on transcript NM_000059.4 (MANE Select); coding-DNA position 7954, G replaced by A.
Protein change: p.Val2652Met; replaces valine 2652 with methionine.
Molecular consequence: missense variant.
Genome position (GRCh38, 1-based): chr13:32,362,671, G>A. VCF-style: chr13-32362671-G-A. GRCh37 (hg19) VCF-style: chr13-32936808-G-A.
Other names: short protein forms V2652M.
Identifiers: ClinVar variation 462460 (VCV000462460.29), dbSNP rs1466452770, ClinGen allele CA387747253.
Genomic context (GRCh38, chr13:32,362,671, plus strand): 5'-GCAGCTATGGAATGTGCCTTTCCTAAGGAATTTGCTAATAGATGCCTAAGCCCAGAAAGG[G>A]TGCTTCTTCAACTAAAATACAGGCAAGTTTAAAGCATTACATTACGTAATCATATACGGC-3'
Protein context (NP_000050.3, residues 2642-2662): FANRCLSPER[Val2652Met]LLQLKYRYDT